The following is an entry in ClinVar:

NM_021803.4(IL21):c.83G>A (p.Ser28Asn)

Genes: IL21 (interleukin 21; minus strand), IL21-AS1 (IL21 antisense RNA 1; plus strand), LOC126807147 (CDK7 strongly-dependent group 2 enhancer GRCh37_chr4:123541308-123542507; plus strand). Cytogenetic location: 4q27.
Variant type: single nucleotide variant.
Coding change: c.83G>A on transcript NM_021803.4 (MANE Select); coding-DNA position 83, G replaced by A.
Protein change: p.Ser28Asn; replaces serine 28 with asparagine.
Molecular consequence: missense variant. On other transcripts: non-coding transcript variant (1).
Genome position (GRCh38, 1-based): chr4:122,620,929, C>T on the plus strand (G>A on the coding strand, the complement: IL21 is on the minus strand). VCF-style: chr4-122620929-C-T. GRCh37 (hg19) VCF-style: chr4-123542084-C-T.
Other names: c.83G>A, p.Ser28Asn (NM_001207006.3); c.83G>A (NM_021803.2); short protein forms S28N.
Identifiers: ClinVar variation 854415 (VCV000854415.8), dbSNP rs775921061, ClinGen allele CA3069194.

ClinVar aggregate classification (germline): Uncertain significance. Review status: criteria provided, multiple submitters, no conflicts (2 of 4 stars). 2 submissions from 2 submitters: Uncertain significance (2). Last evaluated 2025-10-01.

Allele frequency attached by ClinVar (database versions not stated): ExAC 0.00002; gnomAD exomes 0.00003 and 0.00005; gnomAD 0.00005 and 0.00006; TOPMed 0.00008.
gnomAD v4.1: 62 of 1,613,890 alleles (0.0038%); highest among the groups gnomAD compares: Admixed American, 0.0083%; no homozygotes.

Submissions (2):

Labcorp Genetics (formerly Invitae), Labcorp
Classification: Uncertain significance. Last evaluated: 2025-10-01. Review status: criteria provided, single submitter. Criteria: Invitae Variant Classification Sherloc (09022015). Collection method: clinical testing. Allele origin: germline.
Comment: This sequence change replaces serine, which is neutral and polar, with asparagine, which is neutral and polar, at codon 28 of the IL21 protein (p.Ser28Asn). This variant is present in population databases (rs775921061, gnomAD 0.07%), and has an allele count higher than expected for a pathogenic variant. This variant has not been reported in the literature in individuals affected with IL21-related conditions. ClinVar contains an entry for this variant (Variation ID: 854415). An algorithm developed to predict the effect of missense changes on protein structure and function outputs the following: PolyPhen-2: "Benign". The asparagine amino acid residue is found in multiple mammalian species, which suggests that this missense change does not adversely affect protein function. In summary, the available evidence is currently insufficient to determine the role of this variant in disease. Therefore, it has been classified as a Variant of Uncertain Significance.

Ambry Genetics
Classification: Uncertain significance. Last evaluated: 2024-08-28. Review status: criteria provided, single submitter. Criteria: Ambry Variant Classification Scheme 2023. Collection method: clinical testing. Allele origin: germline.